The following is an entry in ClinVar:

NM_000321.3(RB1):c.1421+10_1421+33del

Gene: RB1 (RB transcriptional corepressor 1; plus strand). Cytogenetic location: 13q14.2.
Variant type: Deletion.
Coding change: c.1421+10_1421+33del on transcript NM_000321.3 (MANE Select); bases 10 to 33 of the intron after coding-DNA position 1421, 24 bases deleted (TTACTTTTAGTAAAAAATTTTTTT).
Molecular consequence: intron variant.
Genome position (GRCh38, 1-based): chr13:48,380,094-48,380,117, TTACTTTTAGTAAAAAATTTTTTT deleted; deleting any 24 consecutive bases within chr13:48,380,090-48,380,117 gives the same sequence; the c. name uses the placement nearest the transcript's 3' end. VCF-style (leftmost placement, unchanged base first): chr13-48380089-ATTTTTTACTTTTAGTAAAAAATTT-A. GRCh37 (hg19) VCF-style: chr13-48954225-ATTTTTTACTTTTAGTAAAAAATTT-A.
Other names: c.1421+10_1421+33del (NM_001407165.1, NM_001407166.1).
Identifiers: ClinVar variation 4729879 (VCV004729879.1).
Genomic context (GRCh38, chr13:48,380,089, plus strand): 5'-TTTTTTTTAAATTATCTGTTTCAGGAAGAAGAACGATTATCCATTCAAAATTTTAGGTAA[ATTTTTTACTTTTAGTAAAAAATTT>A]TTTTCTTTTTATAGAAGTAAGTATTTTATAATCTTTTTTTTTTTCCTTTAGCAAACTTCT-3'

ClinVar aggregate classification (germline): Uncertain significance (1 of 4 stars; one submission).

Conditions:
Retinoblastoma (RB1). Also called: RETINOBLASTOMA, SOMATIC. Identifiers: Orphanet 790, MedGen C0035335, MeSH D012175, MONDO:0008380, OMIM 180200, HP:0009919. Disease mechanism: loss of function. Inheritance: Both sporadic and heritable forms are tested..

Submission:

Labcorp Genetics (formerly Invitae), Labcorp
Classification: Uncertain significance for Retinoblastoma. Last evaluated: 2025-10-26. Review status: criteria provided, single submitter. Criteria: Invitae Variant Classification Sherloc (09022015). Collection method: clinical testing. Allele origin: germline.
Comment: This sequence change falls in intron 15 of the RB1 gene. It does not directly change the encoded amino acid sequence of the RB1 protein. This variant is not present in population databases (gnomAD no frequency). This variant has not been reported in the literature in individuals affected with RB1-related conditions. RNA analysis provides insufficient evidence to determine the effect of this variant on RB1 splicing (internal data). In summary, the available evidence is currently insufficient to determine the role of this variant in disease. Therefore, it has been classified as a Variant of Uncertain Significance.